The following is an entry in ClinVar:

ClinVar aggregate classification (germline): Uncertain significance (1 of 4 stars; one submission).

Allele frequency attached by ClinVar (database versions not stated): gnomAD 0.00002.
gnomAD v4.1: 12 of 1,613,160 alleles (0.00074%); highest among the groups gnomAD compares: African/African-American, 0.0093%; no homozygotes.

Submission:

Labcorp Genetics (formerly Invitae), Labcorp
Classification: Uncertain significance. Last evaluated: 2022-12-18. Review status: criteria provided, single submitter. Criteria: Invitae Variant Classification Sherloc (09022015). Collection method: clinical testing. Allele origin: germline.
Comment: In summary, the available evidence is currently insufficient to determine the role of this variant in disease. Therefore, it has been classified as a Variant of Uncertain Significance. Algorithms developed to predict the effect of sequence changes on RNA splicing suggest that this variant may disrupt the consensus splice site. This variant has not been reported in the literature in individuals affected with ANKRD26-related conditions. This variant is present in population databases (no rsID available, gnomAD 0.008%). This sequence change falls in intron 17 of the ANKRD26 gene. It does not directly change the encoded amino acid sequence of the ANKRD26 protein.

NM_014915.3(ANKRD26):c.1815-14T>A

Gene: ANKRD26 (ankyrin repeat domain 26; minus strand). Cytogenetic location: 10p12.1.
Variant type: single nucleotide variant.
Coding change: c.1815-14T>A on transcript NM_014915.3 (MANE Select); 14 bases into the intron before coding-DNA position 1815, T replaced by A.
Molecular consequence: intron variant.
Genome position (GRCh38, 1-based): chr10:27,046,537, A>T on the plus strand (T>A on the coding strand, the complement: ANKRD26 is on the minus strand). VCF-style: chr10-27046537-A-T. GRCh37 (hg19) VCF-style: chr10-27335466-A-T.
Other names: c.1815-17T>A (NM_001256053.2).
Identifiers: ClinVar variation 1914888 (VCV001914888.5), dbSNP rs768978009, ClinGen allele CA204411242.
Genomic context (GRCh38, chr10:27,046,537, plus strand): 5'-CTTTTTCAGTGCTCTTTACTTCCTTCATTTGCAAGGCAGGACCACTACTTTAAAAAATCC[A>T]TGGGAAATGACAGTTACATAAGAAAAAAGAAAAAAAGAAACAACATGCAGAAAGAGAGTT-3'